The following is an entry in ClinVar:

ClinVar aggregate classification (germline): Uncertain significance (1 of 4 stars; one submission).

Allele frequency attached by ClinVar (database versions not stated): ExAC 0.00011; ESP Exome Variant Server 0.00015; 1000 Genomes Project 30x 0.00016; gnomAD exomes 0.00017; gnomAD 0.00021 and 0.00024; TOPMed 0.00029.
gnomAD v4.1: 826 of 1,603,686 alleles (0.052%); highest among the groups gnomAD compares: Non-Finnish European, 0.066%; no homozygotes.

Submission:

Labcorp Genetics (formerly Invitae), Labcorp
Classification: Uncertain significance. Last evaluated: 2025-07-21. Review status: criteria provided, single submitter. Criteria: Invitae Variant Classification Sherloc (09022015). Collection method: clinical testing. Allele origin: germline.
Comment: This sequence change replaces proline, which is neutral and non-polar, with serine, which is neutral and polar, at codon 1162 of the ERBB2 protein (p.Pro1162Ser). This variant is present in population databases (rs201482456, gnomAD 0.04%). This variant has not been reported in the literature in individuals affected with ERBB2-related conditions. ClinVar contains an entry for this variant (Variation ID: 848606). An algorithm developed to predict the effect of missense changes on protein structure and function outputs the following: PolyPhen-2: "Benign". The serine amino acid residue is found in multiple mammalian species, which suggests that this missense change does not adversely affect protein function. In summary, the available evidence is currently insufficient to determine the role of this variant in disease. Therefore, it has been classified as a Variant of Uncertain Significance.

NM_004448.4(ERBB2):c.3484C>T (p.Pro1162Ser)

Gene: ERBB2 (erb-b2 receptor tyrosine kinase 2; plus strand). Cytogenetic location: 17q12.
Variant type: single nucleotide variant.
Coding change: c.3484C>T on transcript NM_004448.4 (MANE Select); coding-DNA position 3484, C replaced by T.
Protein change: p.Pro1162Ser; replaces proline 1162 with serine.
Molecular consequence: missense variant. On other transcripts: 3 prime UTR variant (2), non-coding transcript variant (1).
Genome position (GRCh38, 1-based): chr17:39,727,760, C>T. VCF-style: chr17-39727760-C-T. GRCh37 (hg19) VCF-style: chr17-37884013-C-T.
Other names: c.3394C>T, p.Pro1132Ser (NM_001005862.3, NM_001382782.1, NM_001382783.1); c.3439C>T, p.Pro1147Ser (NM_001289936.2); c.*63C>T (NM_001289937.2, NM_001382803.1); c.3601C>T, p.Pro1201Ser (NM_001382784.1); c.3586C>T, p.Pro1196Ser (NM_001382785.1); c.3565C>T, p.Pro1189Ser (NM_001382786.1); c.3559C>T, p.Pro1187Ser (NM_001382787.1); c.3514C>T, p.Pro1172Ser (NM_001382788.1); and 16 more; short protein forms P1132S, P1147S, P1162S, P1076S, P1094S, P1100S, P1102S, P1110S.
Identifiers: ClinVar variation 848606 (VCV000848606.7), dbSNP rs201482456, ClinGen allele CA8534572.